The following is an entry in ClinVar:

ClinVar aggregate classification (germline): Likely benign. Review status: criteria provided, multiple submitters, no conflicts (2 of 4 stars). 3 submissions from 3 submitters: Likely benign (2). 1 of the submissions does not count toward it. Last evaluated 2025-10-15.

Conditions:
RNASEH1-related disorder. Also called: RNASEH1-related condition.

Allele frequency attached by ClinVar (database versions not stated): gnomAD exomes 0.00002; ExAC 0.00006; gnomAD 0.00011; TOPMed 0.00021; ESP Exome Variant Server 0.00023.
gnomAD v4.1: 47 of 1,613,062 alleles (0.0029%); highest among the groups gnomAD compares: African/African-American, 0.035%; no homozygotes.

Submissions (3):

Labcorp Genetics (formerly Invitae), Labcorp
Classification: Likely benign. Last evaluated: 2025-10-15. Review status: criteria provided, single submitter. Criteria: Invitae Variant Classification Sherloc (09022015). Collection method: clinical testing. Allele origin: germline.

Mayo Clinic Laboratories, Mayo Clinic
Classification: Likely benign. Last evaluated: 2025-07-21. Review status: criteria provided, single submitter. Criteria: ACMG Guidelines, 2015. Collection method: clinical testing. Allele origin: germline. Observed: 2 variant alleles.
Comment: BP4, BP7

PreventionGenetics, part of Exact Sciences
Classification: Likely benign for RNASEH1-related condition. Last evaluated: 2023-08-09. Review status: no assertion criteria provided. Collection method: clinical testing. Allele origin: germline. Not counted in ClinVar's aggregate classification.
Comment: This variant is classified as likely benign based on ACMG/AMP sequence variant interpretation guidelines (Richards et al. 2015 PMID: 25741868, with internal and published modifications).

NM_002936.6(RNASEH1):c.348G>A (p.Lys116=)

Gene: RNASEH1 (ribonuclease H1; minus strand). Cytogenetic location: 2p25.3.
Variant type: single nucleotide variant.
Coding change: c.348G>A on transcript NM_002936.6 (MANE Select); coding-DNA position 348, G replaced by A.
Protein change: p.Lys116=; no amino-acid change (lysine 116 retained).
Molecular consequence: synonymous variant. On other transcripts: 5 prime UTR variant (1), non-coding transcript variant (7).
Genome position (GRCh38, 1-based): chr2:3,552,205, C>T on the plus strand (G>A on the coding strand, the complement: RNASEH1 is on the minus strand). VCF-style: chr2-3552205-C-T. GRCh37 (hg19) VCF-style: chr2-3599795-C-T.
Other names: p.Lys116=; c.348G>A (NM_002936.5, NM_002936.4); c.270G>A, p.Lys90= (NM_001286834.3); c.-4G>A (NM_001286837.3); c.348G>A, p.Lys116= (NM_001378271.1, NM_001378272.1, NM_001378273.1).
Identifiers: ClinVar variation 2186868 (VCV002186868.7), dbSNP rs371167787, ClinGen allele CA1516312.
Genomic context (GRCh38, chr2:3,552,205, plus strand): 5'-CATGTAGGAAAACGTGTCTCTGCTAACTGGAGGCGCCGGCTCCACGCTCGGCTTCATGTG[C>T]TTTGCATACGGCTCTGCGCTTTCATGTCCATCTCCATCCAGTGGCTCACGGAGTCGCTTG-3'
Protein context (NP_002927.2, residues 106-126): DGHESAEPYA[Lys116=]HMKPSVEPAP